The following is an entry in ClinVar:

NM_020738.4(KIDINS220):c.3050C>G (p.Pro1017Arg)

Gene: KIDINS220 (kinase D interacting substrate 220; minus strand). Cytogenetic location: 2p25.1.
Variant type: single nucleotide variant.
Coding change: c.3050C>G on transcript NM_020738.4 (MANE Select); coding-DNA position 3050, C replaced by G.
Protein change: p.Pro1017Arg; replaces proline 1017 with arginine.
Molecular consequence: missense variant. On other transcripts: non-coding transcript variant (2).
Genome position (GRCh38, 1-based): chr2:8,751,606, G>C on the plus strand (C>G on the coding strand, the complement: KIDINS220 is on the minus strand). VCF-style: chr2-8751606-G-C. GRCh37 (hg19) VCF-style: chr2-8891736-G-C.
Other names: c.3053C>G, p.Pro1018Arg (NM_001348729.2, NM_001348731.2, NM_001348734.2 and 2 more transcripts); c.3050C>G, p.Pro1017Arg (NM_001348732.2, NM_001348735.2, NM_001348738.2 and 3 more transcripts); c.2924C>G, p.Pro975Arg (NM_001348736.2); short protein forms P975R, P1017R, P1018R.
Identifiers: ClinVar variation 1484199 (VCV001484199.6), dbSNP rs2148054514, ClinGen allele CA345772602.

ClinVar aggregate classification (germline): Uncertain significance (1 of 4 stars; one submission).

Submission:

Labcorp Genetics (formerly Invitae), Labcorp
Classification: Uncertain significance. Last evaluated: 2022-04-09. Review status: criteria provided, single submitter. Criteria: Invitae Variant Classification Sherloc (09022015). Collection method: clinical testing. Allele origin: germline.
Comment: This sequence change replaces proline, which is neutral and non-polar, with arginine, which is basic and polar, at codon 1017 of the KIDINS220 protein (p.Pro1017Arg). This variant is not present in population databases (gnomAD no frequency). This variant has not been reported in the literature in individuals affected with KIDINS220-related conditions. Algorithms developed to predict the effect of missense changes on protein structure and function are either unavailable or do not agree on the potential impact of this missense change (SIFT: "Deleterious"; PolyPhen-2: "Probably Damaging"; Align-GVGD: "Class C0"). In summary, the available evidence is currently insufficient to determine the role of this variant in disease. Therefore, it has been classified as a Variant of Uncertain Significance.